The following is an entry in ClinVar:

ClinVar aggregate classification (germline): Likely pathogenic (1 of 4 stars; one submission).

Submission:

GeneDx
Classification: Likely pathogenic. Last evaluated: 2024-10-15. Review status: criteria provided, single submitter. Criteria: GeneDx Variant Classification Process June 2021. Collection method: clinical testing. Allele origin: germline. Affected: yes.
Comment: Nonsense variant predicted to result in protein truncation or nonsense mediated decay in a gene for which loss of function is a known mechanism of disease; Not observed at significant frequency in large population cohorts (gnomAD); Has not been previously published as pathogenic or benign to our knowledge

NM_017547.4(FOXRED1):c.313C>T (p.Gln105Ter)

Gene: FOXRED1 (FAD dependent oxidoreductase domain containing 1; plus strand). Cytogenetic location: 11q24.2.
Variant type: single nucleotide variant.
Coding change: c.313C>T on transcript NM_017547.4 (MANE Select); coding-DNA position 313, C replaced by T.
Protein change: p.Gln105Ter; replaces glutamine 105 with a stop codon.
Molecular consequence: nonsense. On other transcripts: non-coding transcript variant (2).
Genome position (GRCh38, 1-based): chr11:126,272,975, C>T. VCF-style: chr11-126272975-C-T. GRCh37 (hg19) VCF-style: chr11-126142870-C-T.
Other names: short protein forms Q105*.
Identifiers: ClinVar variation 432155 (VCV000432155.3), dbSNP rs1555063749, ClinGen allele CA383229352.